The following is an entry in ClinVar:

ClinVar aggregate classification (germline): Uncertain significance (1 of 4 stars; one submission).

Allele frequency attached by ClinVar (database versions not stated): gnomAD exomes below 0.00001.
gnomAD v4.1: 3 of 1,612,328 alleles (0.00019%); highest among the groups gnomAD compares: South Asian, 0.0011%; no homozygotes.

Submission:

Ambry Genetics
Classification: Uncertain significance. Last evaluated: 2024-05-10. Review status: criteria provided, single submitter. Criteria: Ambry Variant Classification Scheme 2023. Collection method: clinical testing. Allele origin: germline.
Comment: The p.C478Y variant (also known as c.1433G>A), located in coding exon 11 of the RECQL gene, results from a G to A substitution at nucleotide position 1433. The cysteine at codon 478 is replaced by tyrosine, an amino acid with highly dissimilar properties. This amino acid position is highly conserved in available vertebrate species. In addition, this alteration is predicted to be deleterious by in silico analysis. The evidence for this gene-disease relationship is limited; therefore, the clinical significance of this alteration is unclear.

NM_002907.4(RECQL):c.1433G>A (p.Cys478Tyr)

Gene: RECQL (RecQ like helicase; minus strand). Cytogenetic location: 12p12.1.
Variant type: single nucleotide variant.
Coding change: c.1433G>A on transcript NM_002907.4 (MANE Select); coding-DNA position 1433, G replaced by A.
Protein change: p.Cys478Tyr; replaces cysteine 478 with tyrosine.
Molecular consequence: missense variant.
Genome position (GRCh38, 1-based): chr12:21,473,565, C>T on the plus strand (G>A on the coding strand, the complement: RECQL is on the minus strand). VCF-style: chr12-21473565-C-T. GRCh37 (hg19) VCF-style: chr12-21626499-C-T.
Other names: c.1433G>A, p.Cys478Tyr (NM_032941.3); short protein forms C478Y.
Identifiers: ClinVar variation 1772557 (VCV001772557.3), dbSNP rs2137327875, ClinGen allele CA384117286.